The following is an entry in ClinVar:

NM_001376.5(DYNC1H1):c.6274G>T (p.Ala2092Ser)

Gene: DYNC1H1 (dynein cytoplasmic 1 heavy chain 1; plus strand). Cytogenetic location: 14q32.31.
Variant type: single nucleotide variant.
Coding change: c.6274G>T on transcript NM_001376.5 (MANE Select); coding-DNA position 6274, G replaced by T.
Protein change: p.Ala2092Ser; replaces alanine 2092 with serine.
Molecular consequence: missense variant.
Genome position (GRCh38, 1-based): chr14:102,010,328, G>T. VCF-style: chr14-102010328-G-T. GRCh37 (hg19) VCF-style: chr14-102476665-G-T.
Other names: short protein forms A2092S.
Identifiers: ClinVar variation 1720448 (VCV001720448.5), dbSNP rs2503751933, ClinGen allele CA391054235.

ClinVar aggregate classification (germline): Uncertain significance (1 of 4 stars; one submission).

Conditions:
Charcot-Marie-Tooth disease axonal type 2O. Also called: CHARCOT-MARIE-TOOTH NEUROPATHY, AXONAL, TYPE 2O; CHARCOT-MARIE-TOOTH DISEASE, AXONAL, AUTOSOMAL DOMINANT, TYPE 2O; Charcot-Marie-Tooth disease, axonal, type 20; Charcot-Marie-Tooth Neuropathy Type 2O. Identifiers: Orphanet 284232, MedGen C3280220, MONDO:0013644, OMIM 614228.

Submission:

Labcorp Genetics (formerly Invitae), Labcorp
Classification: Uncertain significance for Charcot-Marie-Tooth disease axonal type 2O. Last evaluated: 2022-10-13. Review status: criteria provided, single submitter. Criteria: Invitae Variant Classification Sherloc (09022015). Collection method: clinical testing. Allele origin: germline.
Comment: In summary, the available evidence is currently insufficient to determine the role of this variant in disease. Therefore, it has been classified as a Variant of Uncertain Significance. Advanced modeling of protein sequence and biophysical properties (such as structural, functional, and spatial information, amino acid conservation, physicochemical variation, residue mobility, and thermodynamic stability) performed at Invitae indicates that this missense variant is not expected to disrupt DYNC1H1 protein function. This variant has not been reported in the literature in individuals affected with DYNC1H1-related conditions. This variant is not present in population databases (gnomAD no frequency). This sequence change replaces alanine, which is neutral and non-polar, with serine, which is neutral and polar, at codon 2092 of the DYNC1H1 protein (p.Ala2092Ser).